The following is an entry in ClinVar:

NM_001042424.3(NSD2):c.13A>G (p.Ile5Val)

Gene: NSD2 (nuclear receptor binding SET domain protein 2; plus strand). Cytogenetic location: 4p16.3.
Variant type: single nucleotide variant.
Coding change: c.13A>G on transcript NM_001042424.3 (MANE Select); coding-DNA position 13, A replaced by G.
Protein change: p.Ile5Val; replaces isoleucine 5 with valine.
Molecular consequence: missense variant. On other transcripts: 5 prime UTR variant (2).
Genome position (GRCh38, 1-based): chr4:1,900,667, A>G. VCF-style: chr4-1900667-A-G. GRCh37 (hg19) VCF-style: chr4-1902394-A-G.
Other names: c.13A>G, p.Ile5Val (NM_001440892.1, NM_001440893.1, NM_001440894.1 and 9 more transcripts); c.-794A>G (NM_001440899.1); c.-1061A>G (NM_001440900.1); short protein forms I5V.
Identifiers: ClinVar variation 4845470 (VCV004845470.1).

ClinVar aggregate classification (germline): Uncertain significance (1 of 4 stars; one submission).

gnomAD v4.1: 1 of 1,585,754 alleles (0.000063%); highest among the groups gnomAD compares: Non-Finnish European, 0.000086%; no homozygotes.

Submission:

Greenwood Genetic Center Diagnostic Laboratories, Greenwood Genetic Center
Classification: Uncertain significance. Last evaluated: 2025-11-18. Review status: criteria provided, single submitter. Criteria: ACMG Guidelines, 2015. Collection method: clinical testing. Allele origin: germline. Affected: yes.
Comment: PM2